The following is an entry in ClinVar:

NM_001142864.4(PIEZO1):c.2059C>T (p.Pro687Ser)

Genes: PIEZO1 (piezo type mechanosensitive ion channel component 1 (Er blood group); minus strand), HSALR1 (HSP90AB1 associated lncRNA 1; plus strand). Cytogenetic location: 16q24.3.
Variant type: single nucleotide variant.
Coding change: c.2059C>T on transcript NM_001142864.4 (MANE Select); coding-DNA position 2059, C replaced by T.
Protein change: p.Pro687Ser; replaces proline 687 with serine.
Molecular consequence: missense variant.
Genome position (GRCh38, 1-based): chr16:88,734,477, G>A on the plus strand (C>T on the coding strand, the complement: PIEZO1 is on the minus strand). VCF-style: chr16-88734477-G-A. GRCh37 (hg19) VCF-style: chr16-88800885-G-A.
Other names: short protein forms P687S.
Identifiers: ClinVar variation 1330534 (VCV001330534.8), dbSNP rs1380859676, ClinGen allele CA397114029.

ClinVar aggregate classification (germline): Uncertain significance. Review status: criteria provided, multiple submitters, no conflicts (2 of 4 stars). 2 submissions from 2 submitters: Uncertain significance (2). Last evaluated 2025-01-06.

Conditions:
Lymphatic malformation 6 (LMPHM6). Also called: GENERALIZED LYMPHATIC DYSPLASIA OF FOTIOU; Lymphedema, hereditary, III; PIEZO1-related generalized lymphatic dysplasia with non-immune hydrops fetalis. Identifiers: Orphanet 568062, MedGen C4225184, MONDO:0014797, OMIM 616843.

Allele frequency attached by ClinVar (database versions not stated): gnomAD exomes 0.00001.
gnomAD v4.1: 3 of 1,549,674 alleles (0.00019%); highest among the groups gnomAD compares: Non-Finnish European, 0.00026%; no homozygotes.

Submissions (2):

Clinical Genomics Laboratory, Washington University in St. Louis
Classification: Uncertain significance for Lymphatic malformation 6. Last evaluated: 2025-01-06. Review status: criteria provided, single submitter. Criteria: ACMG Guidelines, 2015. Collection method: clinical testing. Allele origin: germline.
Comment: A PIEZO1 c.2059C>T (p.Pro687Ser) variant was identified at a near heterozygous allelic fraction of 47%, a frequency that may be consistent with its germline origin. This variant, to our knowledge, has not been reported in the medical literature. This variant has been reported in the ClinVar database as a germline variant of uncertain significance by one submitter (ClinVar Variation ID: 1330534). This variant is only observed on 3/1,549,674 alleles in the general population (gnomAD v.4.1.0), indicating it is not a common variant. Due to limited information, and based on the ACMG/AMP guidelines for variant interpretation (Richards S et al., PMID: 25741868), the clinical significance of the PIEZO1 c.2059C>T (p.Pro687Ser) variant is uncertain at this time.

ARUP Laboratories, Molecular Genetics and Genomics, ARUP Laboratories
Classification: Uncertain significance. Last evaluated: 2021-05-28. Review status: criteria provided, single submitter. Criteria: ARUP Molecular Germline Variant Investigation Process 2021. Collection method: clinical testing. Allele origin: germline.